The following is an entry in ClinVar:

ClinVar aggregate classification (germline): Uncertain significance (1 of 4 stars; one submission).

Conditions:
Hypertrophic cardiomyopathy. Also called: HYPERTROPHIC MYOCARDIOPATHY. Identifiers: Orphanet 217569, MedGen C0007194, MeSH D002312, MONDO:0005045, HP:0001639.

Submission:

Labcorp Genetics (formerly Invitae), Labcorp
Classification: Uncertain significance for Hypertrophic cardiomyopathy. Last evaluated: 2023-09-10. Review status: criteria provided, single submitter. Criteria: Invitae Variant Classification Sherloc (09022015). Collection method: clinical testing. Allele origin: germline.
Comment: This variant has not been reported in the literature in individuals affected with MYH7-related conditions. Advanced modeling of protein sequence and biophysical properties (such as structural, functional, and spatial information, amino acid conservation, physicochemical variation, residue mobility, and thermodynamic stability) performed at Invitae indicates that this missense variant is expected to disrupt MYH7 protein function. In summary, the available evidence is currently insufficient to determine the role of this variant in disease. Therefore, it has been classified as a Variant of Uncertain Significance. This variant is not present in population databases (gnomAD no frequency). This sequence change replaces histidine, which is basic and polar, with asparagine, which is neutral and polar, at codon 581 of the MYH7 protein (p.His581Asn).

NM_000257.4(MYH7):c.1741C>A (p.His581Asn)

Gene: MYH7 (myosin heavy chain 7; minus strand). Cytogenetic location: 14q11.2.
Variant type: single nucleotide variant.
Coding change: c.1741C>A on transcript NM_000257.4 (MANE Select); coding-DNA position 1741, C replaced by A.
Protein change: p.His581Asn; replaces histidine 581 with asparagine.
Molecular consequence: missense variant.
Genome position (GRCh38, 1-based): chr14:23,427,732, G>T on the plus strand (C>A on the coding strand, the complement: MYH7 is on the minus strand). VCF-style: chr14-23427732-G-T. GRCh37 (hg19) VCF-style: chr14-23896941-G-T.
Other names: c.1741C>A, p.His581Asn (NM_001407004.1); short protein forms H581N.
Identifiers: ClinVar variation 2759637 (VCV002759637.3), dbSNP rs2502296967, ClinGen allele CA389049916.
Genomic context (GRCh38, chr14:23,427,732, plus strand): 5'-GAGGATCCTTGTTCTTCTGCAGCCAGCCAATGATGTTGTAGTCCACGATGCCGGCATAGT[G>T]GATCAGGGAGAAGTGGGCTTCAGGCTTCCCCTTGATATTGCGTGGCTTCTGGAAGTTGGC-3'
Protein context (NP_000248.2, residues 571-591): GKPEAHFSLI[His581Asn]YAGIVDYNII